The following is an entry in ClinVar:

NM_006059.4(LAMC3):c.1852C>T (p.Pro618Ser)

Gene: LAMC3 (laminin subunit gamma 3; plus strand). Cytogenetic location: 9q34.12.
Variant type: single nucleotide variant.
Coding change: c.1852C>T on transcript NM_006059.4 (MANE Select); coding-DNA position 1852, C replaced by T.
Protein change: p.Pro618Ser; replaces proline 618 with serine.
Molecular consequence: missense variant.
Genome position (GRCh38, 1-based): chr9:131,052,878, C>T. VCF-style: chr9-131052878-C-T. GRCh37 (hg19) VCF-style: chr9-133928265-C-T.
Other names: short protein forms P618S.
Identifiers: ClinVar variation 1307474 (VCV001307474.4), dbSNP rs749305389, ClinGen allele CA5287245.
Genomic context (GRCh38, chr9:131,052,878, plus strand): 5'-CGGGATCTCACTTTGACCGCTTCTCTCGCCAGCCTGCAGGAGACCTCCGAGGACGTGGCC[C>T]CTCCACTGCCCCCCTTCCACTTCCAGCGGCTCCTCGCCAACCTGACCAGCCTCCGCCTCC-3'
Protein context (NP_006050.3, residues 608-628): HLQETSEDVA[Pro618Ser]PLPPFHFQRL

ClinVar aggregate classification (germline): Uncertain significance. Review status: criteria provided, multiple submitters, no conflicts (2 of 4 stars). 2 submissions from 2 submitters: Uncertain significance (2). Last evaluated 2024-09-04.

Allele frequency attached by ClinVar (database versions not stated): gnomAD exomes below 0.00001; TOPMed below 0.00001; ExAC 0.00001; gnomAD 0.00001.
gnomAD v4.1: 3 of 1,613,790 alleles (0.00019%); highest among the groups gnomAD compares: Admixed American, 0.0017%; no homozygotes.

Submissions (2):

Labcorp Genetics (formerly Invitae), Labcorp
Classification: Uncertain significance. Last evaluated: 2024-09-04. Review status: criteria provided, single submitter. Criteria: Invitae Variant Classification Sherloc (09022015). Collection method: clinical testing. Allele origin: germline.
Comment: This sequence change replaces proline, which is neutral and non-polar, with serine, which is neutral and polar, at codon 618 of the LAMC3 protein (p.Pro618Ser). This variant is present in population databases (rs749305389, gnomAD 0.003%). This variant has not been reported in the literature in individuals affected with LAMC3-related conditions. ClinVar contains an entry for this variant (Variation ID: 1307474). An algorithm developed to predict the effect of missense changes on protein structure and function outputs the following: PolyPhen-2: "Benign". The serine amino acid residue is found in multiple mammalian species, which suggests that this missense change does not adversely affect protein function. In summary, the available evidence is currently insufficient to determine the role of this variant in disease. Therefore, it has been classified as a Variant of Uncertain Significance.

GeneDx
Classification: Uncertain significance. Last evaluated: 2019-08-05. Review status: criteria provided, single submitter. Criteria: GeneDx Variant Classification Process June 2021. Collection method: clinical testing. Allele origin: germline. Affected: yes.
Comment: Not observed at a significant frequency in large population cohorts (Lek et al., 2016); In silico analysis, which includes protein predictors and evolutionary conservation, supports a deleterious effect; Has not been previously published as pathogenic or benign to our knowledge